The following is an entry in ClinVar:

ClinVar aggregate classification (germline): Conflicting classifications of pathogenicity. Review status: criteria provided, conflicting classifications (1 of 4 stars). 3 submissions from 3 submitters: Uncertain significance (1); Likely benign (2). Last evaluated 2025-08-17.

Conditions:
Epilepsy, childhood absence, susceptibility to, 6. Identifiers: Orphanet 64280, MedGen C2749872, MONDO:0012763, OMIM 611942.
Hyperaldosteronism, familial, type IV (HALD4). Also called: FH IV; ALDOSTERONISM, PRIMARY, AND HYPERTENSION. Identifiers: Orphanet 642671, MedGen C4310756, MONDO:0014875, OMIM 617027.
Idiopathic generalized epilepsy. Also called: EIG; Generalised epilepsy. Identifiers: MedGen C0270850, MONDO:0005579, OMIM 600669.

Allele frequency attached by ClinVar (database versions not stated): gnomAD 0.00001; gnomAD exomes 0.00001 and 0.00014; TOPMed 0.00003.
gnomAD v4.1: 19 of 1,486,336 alleles (0.0013%); highest among the groups gnomAD compares: Admixed American, 0.039%; 1 homozygote.

Submissions (3):

Labcorp Genetics (formerly Invitae), Labcorp
Classification: Likely benign for Idiopathic generalized epilepsy; Hyperaldosteronism, familial, type IV. Last evaluated: 2025-08-17. Review status: criteria provided, single submitter. Criteria: Invitae Variant Classification Sherloc (09022015). Collection method: clinical testing. Allele origin: germline.

Johns Hopkins Genomics, Johns Hopkins University
Classification: Likely benign for Hyperaldosteronism, familial, type IV. Last evaluated: 2025-02-03. Review status: criteria provided, single submitter. Criteria: ACMG Guidelines, 2015. Collection method: clinical testing. Allele origin: germline.
Comment: This variant is classified as likely benign (PM2, BS2_supporting, BP6).

Fulgent Genetics
Classification: Uncertain significance for Epilepsy, childhood absence, susceptibility to, 6; Hyperaldosteronism, familial, type IV. Last evaluated: 2022-05-18. Review status: criteria provided, single submitter. Criteria: ACMG Guidelines, 2015. Collection method: clinical testing. Allele origin: unknown.

Literature cited by the submitters: PubMed 25907736 (cited by Johns Hopkins Genomics, Johns Hopkins University); PubMed 31217264 (cited by Johns Hopkins Genomics, Johns Hopkins University).

NM_021098.3(CACNA1H):c.2001T>A (p.His667Gln)

Gene: CACNA1H (calcium voltage-gated channel subunit alpha1 H; plus strand). Cytogenetic location: 16p13.3.
Variant type: single nucleotide variant.
Coding change: c.2001T>A on transcript NM_021098.3 (MANE Select); coding-DNA position 2001, T replaced by A.
Protein change: p.His667Gln; replaces histidine 667 with glutamine.
Molecular consequence: missense variant.
Genome position (GRCh38, 1-based): chr16:1,202,451, T>A. VCF-style: chr16-1202451-T-A. GRCh37 (hg19) VCF-style: chr16-1252451-T-A.
Other names: c.2001T>A, p.His667Gln (NM_001005407.2); short protein forms H667Q.
Identifiers: ClinVar variation 529559 (VCV000529559.10), dbSNP rs1180154075, ClinGen allele CA394164150.